The following is an entry in ClinVar:

ClinVar aggregate classification (germline): Uncertain significance (1 of 4 stars; one submission).

Conditions:
Immunodeficiency 104. Also called: SCID, AUTOSOMAL RECESSIVE, T CELL-NEGATIVE, B CELL-POSITIVE, NK CELL-POSITIVE; IMMUNODEFICIENCY 104, SEVERE COMBINED; Severe combined immunodeficiency, autosomal recessive, T cell-negative, B cell-positive, NK cell-positive; Severe Combined Immune Deficiency, Autosomal Recessive, TCell -Negative, B Cell-Positive, NK Cell-Positive, IL7R-Related. Identifiers: MedGen C5676890, MONDO:0012163, OMIM 608971.

Allele frequency attached by ClinVar (database versions not stated): ExAC 0.00001; gnomAD 0.00002 and 0.00003; gnomAD exomes 0.00002 and 0.00004; TOPMed 0.00004.
gnomAD v4.1: 57 of 1,613,074 alleles (0.0035%); highest among the groups gnomAD compares: Middle Eastern, 0.017%; no homozygotes.

Submission:

Labcorp Genetics (formerly Invitae), Labcorp
Classification: Uncertain significance for Immunodeficiency 104. Last evaluated: 2022-01-26. Review status: criteria provided, single submitter. Criteria: Invitae Variant Classification Sherloc (09022015). Collection method: clinical testing. Allele origin: germline.
Comment: This sequence change replaces proline, which is neutral and non-polar, with serine, which is neutral and polar, at codon 484 of the PTPRC protein (p.Pro484Ser). This variant is present in population databases (rs762144487, gnomAD 0.004%). This variant has not been reported in the literature in individuals affected with PTPRC-related conditions. Algorithms developed to predict the effect of missense changes on protein structure and function (SIFT, PolyPhen-2, Align-GVGD) all suggest that this variant is likely to be tolerated. Algorithms developed to predict the effect of sequence changes on RNA splicing suggest that this variant may disrupt the consensus splice site. In summary, the available evidence is currently insufficient to determine the role of this variant in disease. Therefore, it has been classified as a Variant of Uncertain Significance.

NM_002838.5(PTPRC):c.1450C>T (p.Pro484Ser)

Gene: PTPRC (protein tyrosine phosphatase receptor type C; plus strand). Cytogenetic location: 1q32.1.
Variant type: single nucleotide variant.
Coding change: c.1450C>T on transcript NM_002838.5 (MANE Select); coding-DNA position 1450, C replaced by T.
Protein change: p.Pro484Ser; replaces proline 484 with serine.
Molecular consequence: missense variant.
Genome position (GRCh38, 1-based): chr1:198,716,840, C>T. VCF-style: chr1-198716840-C-T. GRCh37 (hg19) VCF-style: chr1-198685969-C-T.
Other names: c.967C>T, p.Pro323Ser (NM_080921.4); short protein forms P323S, P484S.
Identifiers: ClinVar variation 1406437 (VCV001406437.5), dbSNP rs762144487, ClinGen allele CA1314788.
Genomic context (GRCh38, chr1:198,716,840, plus strand): 5'-ATTGCAAAAGTGCAACGTAATGGAAGTGCTGCAATGTGTCATTTCACAACTAAAAGTGCT[C>T]GTAAGTTATATGTTTTAATGCTTCTTTCCATAAATGGTAAAAAGCAAGGTATGAACTTTT-3'
Protein context (NP_002829.3, residues 474-494): AMCHFTTKSA[Pro484Ser]PSQVWNMTVS